The following is an entry in ClinVar:

NM_012186.3(FOXE3):c.587G>A (p.Gly196Asp)

Genes: FOXE3 (forkhead box E3; plus strand), LINC01389 (long independently transcribed non-coding RNA 1389; minus strand). Cytogenetic location: 1p33.
Variant type: single nucleotide variant.
Coding change: c.587G>A on transcript NM_012186.3 (MANE Select); coding-DNA position 587, G replaced by A.
Protein change: p.Gly196Asp; replaces glycine 196 with aspartic acid.
Molecular consequence: missense variant.
Genome position (GRCh38, 1-based): chr1:47,416,902, G>A. VCF-style: chr1-47416902-G-A. GRCh37 (hg19) VCF-style: chr1-47882574-G-A.
Other names: short protein forms G196D.
Identifiers: ClinVar variation 4791990 (VCV004791990.1).

ClinVar aggregate classification (germline): Uncertain significance (1 of 4 stars; one submission).

Conditions:
Anterior segment dysgenesis. Also called: Ocular anterior segment dysgenesis. Identifiers: Orphanet 88632, MedGen C1862839, MONDO:0019503, HP:0007700.
Congenital primary aphakia. Also called: Anterior segment dysgenesis 2, multiple subtypes; ANTERIOR SEGMENT DYSGENESIS 2. Identifiers: Orphanet 83461, MedGen C1853230, MONDO:0012456, OMIM 610256.

Submission:

Labcorp Genetics (formerly Invitae), Labcorp
Classification: Uncertain significance for Anterior segment dysgenesis; Congenital primary aphakia. Last evaluated: 2025-03-18. Review status: criteria provided, single submitter. Criteria: Invitae Variant Classification Sherloc (09022015). Collection method: clinical testing. Allele origin: germline.
Comment: This sequence change replaces glycine, which is neutral and non-polar, with aspartic acid, which is acidic and polar, at codon 196 of the FOXE3 protein (p.Gly196Asp). This variant is not present in population databases (gnomAD no frequency). This variant has not been reported in the literature in individuals affected with FOXE3-related conditions. Invitae Evidence Modeling of protein sequence and biophysical properties (such as structural, functional, and spatial information, amino acid conservation, physicochemical variation, residue mobility, and thermodynamic stability) indicates that this missense variant is not expected to disrupt FOXE3 protein function with a negative predictive value of 80%. In summary, the available evidence is currently insufficient to determine the role of this variant in disease. Therefore, it has been classified as a Variant of Uncertain Significance.